The following is an entry in ClinVar:

ClinVar aggregate classification (germline): Uncertain significance (1 of 4 stars; one submission).

gnomAD v4.1: 4 of 1,611,560 alleles (0.00025%); highest among the groups gnomAD compares: Admixed American, 0.0033%; no homozygotes.

Submission:

GeneDx
Classification: Uncertain significance. Last evaluated: 2024-11-13. Review status: criteria provided, single submitter. Criteria: GeneDx Variant Classification Process June 2021. Collection method: clinical testing. Allele origin: germline. Affected: yes.
Comment: Not observed at significant frequency in large population cohorts (gnomAD); In silico analysis supports that this missense variant has a deleterious effect on protein structure/function; In silico analysis supports a deleterious effect on splicing; Has not been previously published as pathogenic or benign to our knowledge

NM_018136.5(ASPM):c.9636G>C (p.Gln3212His)

Gene: ASPM (assembly factor for spindle microtubules; minus strand). Cytogenetic location: 1q31.3.
Variant type: single nucleotide variant.
Coding change: c.9636G>C on transcript NM_018136.5 (MANE Select); coding-DNA position 9636, G replaced by C.
Protein change: p.Gln3212His; replaces glutamine 3212 with histidine.
Molecular consequence: missense variant.
Genome position (GRCh38, 1-based): chr1:197,090,850, C>G on the plus strand (G>C on the coding strand, the complement: ASPM is on the minus strand). VCF-style: chr1-197090850-C-G. GRCh37 (hg19) VCF-style: chr1-197059980-C-G.
Other names: c.4881G>C, p.Gln1627His (NM_001206846.2); short protein forms Q1627H, Q3212H.
Identifiers: ClinVar variation 3899564 (VCV003899564.1).